The following is an entry in ClinVar:

NM_000051.4(ATM):c.2955T>A (p.Asp985Glu)

Gene: ATM (ATM serine/threonine kinase; plus strand). Cytogenetic location: 11q22.3.
Variant type: single nucleotide variant.
Coding change: c.2955T>A on transcript NM_000051.4 (MANE Select); coding-DNA position 2955, T replaced by A.
Protein change: p.Asp985Glu; replaces aspartic acid 985 with glutamic acid.
Molecular consequence: missense variant.
Genome position (GRCh38, 1-based): chr11:108,271,284, T>A. VCF-style: chr11-108271284-T-A. GRCh37 (hg19) VCF-style: chr11-108142011-T-A.
Other names: c.2955T>A, p.Asp985Glu (NM_001351834.2); short protein forms D985E.
Identifiers: ClinVar variation 3647402 (VCV003647402.2).

ClinVar aggregate classification (germline): Uncertain significance (1 of 4 stars; one submission).

Conditions:
Ataxia-telangiectasia syndrome (AT). Also called: ATAXIA-TELANGIECTASIA, COMPLEMENTATION GROUP A; ATAXIA-TELANGIECTASIA, FRESNO VARIANT; LOUIS-BAR SYNDROME; Ataxia-telangiectasia, complementation group D; Ataxia-telangiectasia, complementation group E; Cerebello-oculocutaneous telangiectasia. Identifiers: Orphanet 100, MedGen C0004135, MONDO:0008840, OMIM 208900.

Submission:

Labcorp Genetics (formerly Invitae), Labcorp
Classification: Uncertain significance for Ataxia-telangiectasia syndrome. Last evaluated: 2024-03-24. Review status: criteria provided, single submitter. Criteria: Invitae Variant Classification Sherloc (09022015). Collection method: clinical testing. Allele origin: germline.
Comment: This sequence change replaces aspartic acid, which is acidic and polar, with glutamic acid, which is acidic and polar, at codon 985 of the ATM protein (p.Asp985Glu). This variant is not present in population databases (gnomAD no frequency). This variant has not been reported in the literature in individuals affected with ATM-related conditions. Algorithms developed to predict the effect of missense changes on protein structure and function output the following: SIFT: "Not Available"; PolyPhen-2: "Benign"; Align-GVGD: "Not Available". The glutamic acid amino acid residue is found in multiple mammalian species, which suggests that this missense change does not adversely affect protein function. In summary, the available evidence is currently insufficient to determine the role of this variant in disease. Therefore, it has been classified as a Variant of Uncertain Significance.